The following is an entry in ClinVar:

ClinVar aggregate classification (germline): Uncertain significance. Review status: criteria provided, multiple submitters, no conflicts (2 of 4 stars). 5 submissions from 5 submitters: Uncertain significance (5). Last evaluated 2026-04-22.

Conditions:
Cardiovascular phenotype. Identifiers: MedGen CN230736.
MYPN-related disorder. Also called: MYPN-related condition.
Dilated cardiomyopathy 1KK (CMD1KK). Identifiers: Orphanet 154, Orphanet 75249, MedGen C3714995, MONDO:0014100, OMIM 615248.

Allele frequency attached by ClinVar (database versions not stated): 1000 Genomes Project 30x 0.00016; 1000 Genomes Project 0.00020; gnomAD 0.00001; gnomAD exomes 0.00001; ExAC 0.00002; TOPMed 0.00005.
gnomAD v4.1: 23 of 1,614,040 alleles (0.0014%); highest among the groups gnomAD compares: Admixed American, 0.005%; no homozygotes.

Submissions (5):

PreventionGenetics, part of Exact Sciences
Classification: Uncertain significance for MYPN-related condition. Last evaluated: 2026-04-22. Review status: criteria provided, single submitter. Criteria: ACMG Guidelines, 2015. Collection method: clinical testing. Allele origin: germline.
Comment: The MYPN c.3959T>C variant is predicted to result in the amino acid substitution p.Leu1320Pro. This variant was reported in an individual with left ventricular noncompaction (Table S3 in Miszalski-Jamka et al. 2017. PubMed ID: 28798025) and in a family with hypertrophic cardiomyopathy (Koutsofti et al. 2024. PubMed ID: 38540378). This variant is reported in 0.0018% of alleles in individuals of European (Non-Finnish) descent in gnomAD. At this time, the clinical significance of this variant is uncertain due to the absence of conclusive functional and genetic evidence.

Ambry Genetics
Classification: Uncertain significance for Cardiovascular phenotype. Last evaluated: 2024-11-14. Review status: criteria provided, single submitter. Criteria: Ambry Variant Classification Scheme 2023. Collection method: clinical testing. Allele origin: germline.
Comment: The p.L1320P variant (also known as c.3959T>C), located in coding exon 19 of the MYPN gene, results from a T to C substitution at nucleotide position 3959. The leucine at codon 1320 is replaced by proline, an amino acid with similar properties. This variant was reported in individuals in cardiomyopathy cohorts; however, clinical details were limited and additional alterations in other cardiac-related genes were identified (Miszalski-Jamka K et al. Circ Cardiovasc Genet, 2017 Aug;10:[ePub ahead of print]; Koutsofti C et al. Genes (Basel), 2024 Feb;15:[ePub ahead of print]). This amino acid position is highly conserved in available vertebrate species. In addition, the in silico prediction for this alteration is inconclusive. Based on the available evidence, the clinical significance of this variant remains unclear.

GeneDx
Classification: Uncertain significance. Last evaluated: 2024-10-23. Review status: criteria provided, single submitter. Criteria: GeneDx Variant Classification Process June 2021. Collection method: clinical testing. Allele origin: germline. Affected: yes.
Comment: Reported in a patient with left ventricular noncompaction who also harbored additional cardiogenetic variants (PMID: 28798025); Not observed at significant frequency in large population cohorts (gnomAD); In silico analysis supports that this missense variant has a deleterious effect on protein structure/function; This variant is associated with the following publications: (PMID: 28798025)

Blueprint Genetics
Classification: Uncertain significance. Last evaluated: 2024-01-18. Review status: criteria provided, single submitter. Criteria: ACMG Guidelines, 2015. Collection method: clinical testing. Allele origin: germline.

Labcorp Genetics (formerly Invitae), Labcorp
Classification: Uncertain significance for Dilated cardiomyopathy 1KK. Last evaluated: 2023-06-29. Review status: criteria provided, single submitter. Criteria: Invitae Variant Classification Sherloc (09022015). Collection method: clinical testing. Allele origin: germline.
Comment: In summary, the available evidence is currently insufficient to determine the role of this variant in disease. Therefore, it has been classified as a Variant of Uncertain Significance. An algorithm developed to predict the effect of missense changes on protein structure and function (PolyPhen-2) suggests that this variant is likely to be disruptive. ClinVar contains an entry for this variant (Variation ID: 660335). This missense change has been observed in individual(s) with left ventricular noncompaction (PMID: 28798025). This variant is present in population databases (rs200646285, gnomAD 0.0009%). This sequence change replaces leucine, which is neutral and non-polar, with proline, which is neutral and non-polar, at codon 1320 of the MYPN protein (p.Leu1320Pro).

Literature cited by the submitters: PubMed 28798025 (cited by Ambry Genetics and Labcorp Genetics (formerly Invitae), Labcorp); PubMed 38540378 (cited by Ambry Genetics).

NM_032578.4(MYPN):c.3959T>C (p.Leu1320Pro)

Gene: MYPN (myopalladin; plus strand). Cytogenetic location: 10q21.3.
Variant type: single nucleotide variant.
Coding change: c.3959T>C on transcript NM_032578.4 (MANE Select); coding-DNA position 3959, T replaced by C.
Protein change: p.Leu1320Pro; replaces leucine 1320 with proline.
Molecular consequence: missense variant. On other transcripts: non-coding transcript variant (2).
Genome position (GRCh38, 1-based): chr10:68,210,451, T>C. VCF-style: chr10-68210451-T-C. GRCh37 (hg19) VCF-style: chr10-69970208-T-C.
Other names: c.3959T>C, p.Leu1320Pro (NM_001256267.2); c.3077T>C, p.Leu1026Pro (NM_001256268.2); short protein forms L1026P, L1320P.
Identifiers: ClinVar variation 660335 (VCV000660335.15), dbSNP rs200646285, ClinGen allele CA5523198.